The following is an entry in ClinVar:

NM_001370259.2(MEN1):c.652C>T (p.Arg218Trp)

Gene: MEN1 (menin 1; minus strand). Cytogenetic location: 11q13.1.
Variant type: single nucleotide variant.
Coding change: c.652C>T on transcript NM_001370259.2 (MANE Select); coding-DNA position 652, C replaced by T.
Protein change: p.Arg218Trp; replaces arginine 218 with tryptophan.
Molecular consequence: missense variant. On other transcripts: intron variant (2).
Genome position (GRCh38, 1-based): chr11:64,807,893, G>A on the plus strand (C>T on the coding strand, the complement: MEN1 is on the minus strand). VCF-style: chr11-64807893-G-A. GRCh37 (hg19) VCF-style: chr11-64575365-G-A.
Other names: p.Arg218Trp; c.667C>T, p.Arg223Trp (NM_000244.4, NM_130800.3, NM_130801.3 and 3 more transcripts); c.652C>T, p.Arg218Trp (NM_001370251.2, NM_001370260.2, NM_001370261.2 and 1 more transcripts); c.549+103C>T (NM_001370263.2, NM_001370262.2); short protein forms R218W, R223W.
Identifiers: ClinVar variation 200976 (VCV000200976.41), dbSNP rs794728620, ClinGen allele CA009550.

ClinVar aggregate classification (germline): Conflicting classifications of pathogenicity. Review status: criteria provided, conflicting classifications (1 of 4 stars). 13 submissions from 13 submitters: Pathogenic (3); Likely pathogenic (3); Uncertain significance (6). 1 of the submissions does not count toward it. Last evaluated 2026-01-21.

Conditions:
Hereditary cancer-predisposing syndrome. Also called: Neoplastic Syndromes, Hereditary; Tumor predisposition; Hereditary Cancer Syndrome; Hereditary neoplastic syndrome. Identifiers: Orphanet 140162, MedGen C0027672, MeSH D009386, MONDO:0015356.
Multiple endocrine neoplasia, type 1 (MEN1). Also called: Endocrine adenomatosis multiple; MEN 1; MEN I; WERMER SYNDROME; MEA I. Identifiers: Orphanet 652, MedGen C0025267, MeSH D018761, MONDO:0007540, OMIM 131100.

Allele frequency attached by ClinVar (database versions not stated): TOPMed 0.00001.

Submissions (15):

Labcorp Genetics (formerly Invitae), Labcorp
Classification: Pathogenic for Multiple endocrine neoplasia, type 1. Last evaluated: 2026-01-21. Review status: criteria provided, single submitter. Criteria: Invitae Variant Classification Sherloc (09022015). Collection method: clinical testing. Allele origin: germline.
Comment: This sequence change replaces arginine, which is basic and polar, with tryptophan, which is neutral and slightly polar, at codon 218 of the MEN1 protein (p.Arg218Trp). RNA analysis indicates that this missense change induces altered splicing and may result in an absent or altered protein product. This variant is not present in population databases (gnomAD no frequency). This missense change has been observed in individuals with clinical features of MEN1-related conditions (internal data). Invitae Evidence Modeling of clinical and family history, age, sex, and reported ancestry of multiple individuals with this MEN1 variant has been performed. This variant is expected to be pathogenic with a positive predictive value of at least 99%. This is a validated machine learning model that incorporates the clinical features of 1,366,787 individuals referred to our laboratory for MEN1 testing. ClinVar contains an entry for this variant (Variation ID: 200976). An algorithm developed to predict the effect of missense changes on protein structure and function (PolyPhen-2) suggests that this variant is likely to be disruptive. Studies have shown that this missense change results in activation of a cryptic splice site, and produces a non-functional protein and/or introduces a premature termination codon (internal data). For these reasons, this variant has been classified as Pathogenic.

GeneDx
Classification: Likely pathogenic. Last evaluated: 2025-10-02. Review status: criteria provided, single submitter. Criteria: GeneDx Variant Classification Process June 2021. Collection method: clinical testing. Allele origin: germline. Affected: yes.
Comment: Not observed at significant frequency in large population cohorts (gnomAD); In silico analysis supports that this missense variant has a deleterious effect on protein structure/function; In silico analysis supports a deleterious effect on splicing; Observed in individuals with primary hyperparathyroidism or osteosarcoma (PMID: 28298337, 32191290); This variant is associated with the following publications: (PMID: 26767918, 22810696, 30869828, 32191290, 28298337, 9989505)

Quest Diagnostics Nichols Institute San Juan Capistrano
Classification: Likely pathogenic. Last evaluated: 2025-09-24. Review status: criteria provided, single submitter. Criteria: Quest Diagnostics criteria. Collection method: clinical testing. Allele origin: unknown.
Comment: The MEN1 c.652C>T (p.Arg218Trp) variant has been reported in the published literature in individuals with multiple endocrine neoplasia type 1 (MEN1) or suspected MEN1 (PMID: 28298337 (2017), 29122330 (2018), 30869828 (2019); Invitae and Ambry Genetics, personal communication regarding ClinVar ID: 200976), and an individual with osteosarcoma (PMID: 32191290 (2020)). This variant has not been reported in large, multi-ethnic general populations (Genome Aggregation Database). Analysis of this variant using bioinformatics tools for the prediction of the effect of amino acid changes on protein structure and function yielded conflicting predictions that this variant is deleterious or benign. Based on the available information, this variant is classified as likely pathogenic.

Women's Health and Genetics/Laboratory Corporation of America, LabCorp
Classification: Pathogenic for Multiple endocrine neoplasia, type 1. Last evaluated: 2025-05-06. Review status: criteria provided, single submitter. Criteria: LabCorp Variant Classification Summary - May 2015. Collection method: clinical testing. Allele origin: germline.
Comment: Variant summary: MEN1 c.652C>T (p.Arg218Trp) results in a non-conservative amino acid change in the encoded protein sequence. Algorithms developed to predict the effect of missense changes on protein structure and function all suggest that this variant is likely to be disruptive. Several computational tools predict a significant impact on normal splicing: Two predict the variant weakens a 5' donor site. At least one publication reports experimental evidence that this variant affects mRNA splicing. The variant was absent in 250760 control chromosomes. c.652C>T has been observed in individual(s) affected with Multiple Endocrine Neoplasia Type 1 (Christakis_2018, Romanet_2019, Casey_2017, Labcorp; formerly Invitae). These data indicate that the variant is likely to be associated with disease. Studies have shown that this missense change results in activation of a cryptic splice site, and produces a non-functional protein and/or introduces a premature termination codon (Labcorp; formerly Invitae). The following publications have been ascertained in the context of this evaluation (PMID: 28298337, 29122330, 26767918, 32191290, 30869828). ClinVar contains an entry for this variant (Variation ID: 200976). Based on the evidence outlined above, the variant was classified as pathogenic.

CeGaT Center for Human Genetics Tuebingen
Classification: Likely pathogenic. Last evaluated: 2025-05-01. Review status: criteria provided, single submitter. Criteria: CeGaT Center For Human Genetics Tuebingen Variant Classification Criteria Version 2. Collection method: clinical testing. Allele origin: germline. Affected: yes. Observed: 1 variant allele.
Comment: MEN1: PVS1:Strong, PM2, PS4:Moderate

Mayo Clinic Laboratories, Mayo Clinic
Classification: Uncertain significance. Last evaluated: 2025-01-14. Review status: criteria provided, single submitter. Criteria: ACMG Guidelines, 2015. Collection method: clinical testing. Allele origin: germline. Observed: 1 variant allele.
Comment: PP3, PM2_supporting, PS1_moderate

Ambry Genetics
Classification: Pathogenic for Hereditary cancer-predisposing syndrome. Last evaluated: 2024-09-09. Review status: criteria provided, single submitter. Criteria: Ambry Variant Classification Scheme 2023. Collection method: clinical testing. Allele origin: germline.
Comment: The p.R218W variant (also known as c.652C>T), located in coding exon 2 of the MEN1 gene, results from a C to T substitution at nucleotide position 652. The arginine at codon 218 is replaced by tryptophan, an amino acid with dissimilar properties. This variant was identified in multiple individuals with a personal and/or family history that is consistent with MEN1-related disease (Casey RT et al. Endocr Connect, 2017 Apr;6:151-158; Ambry internal data). This variant has also been detected in one or more individuals with no reported features of MEN1-related disease and therefore carriers of this variant and their families may present reduced risks, clinical correlation is advised (Ambry internal data). This nucleotide position is not well conserved in available vertebrate species. In silico splice site analysis predicts that this alteration will result in the creation or strengthening of a novel splice donor site. RNA studies have demonstrated that this alteration results in an incomplete splice defect (Ambry internal data). This amino acid position is well conserved in available vertebrate species. In addition, the in silico prediction for this alteration is inconclusive. This variant is considered to be rare based on population cohorts in the Genome Aggregation Database (gnomAD). Based on the supporting evidence, this variant is interpreted as a disease-causing mutation.

Fulgent Genetics
Classification: Uncertain significance for Multiple endocrine neoplasia, type 1. Last evaluated: 2024-04-25. Review status: criteria provided, single submitter. Criteria: ACMG Guidelines, 2015. Collection method: clinical testing. Allele origin: germline.

Blueprint Genetics
Classification: Uncertain significance. Last evaluated: 2024-04-11. Review status: criteria provided, single submitter. Criteria: ACMG Guidelines, 2015. Collection method: clinical testing. Allele origin: germline.

Myriad Genetics, Inc.
Classification: Uncertain significance for Multiple endocrine neoplasia, type 1. Last evaluated: 2023-04-17. Review status: criteria provided, single submitter. Criteria: Myriad Autosomal Dominant, Autosomal Recessive and X-Linked Classification Criteria (2023). Collection method: clinical testing. Allele origin: unknown.
Comment: This variant is classified as a variant of uncertain significance as there is insufficient evidence to determine its impact on protein function and/or cancer risk.

All of Us Research Program, National Institutes of Health
Classification: Uncertain significance for Multiple endocrine neoplasia, type 1. Last evaluated: 2023-02-24. Review status: criteria provided, single submitter. Criteria: ACMG Guidelines, 2015. Collection method: clinical testing. Allele origin: germline. Inheritance: Autosomal dominant inheritance. Observed: 1 variant allele, 1 heterozygote.
Comment: This missense variant replaces arginine with tryptophan at codon 218 of the MEN1 protein. Computational prediction suggests that this variant may have deleterious impact on protein structure and function (internally defined REVEL score threshold >= 0.7, PMID: 27666373). Splice site prediction tools suggest that this variant may impact RNA splicing. To our knowledge, functional and RNA studies have not been reported for this variant. This variant has not been reported in individuals affected with hereditary cancer in the literature. This variant has not been identified in the general population by the Genome Aggregation Database (gnomAD). The available evidence is insufficient to determine the role of this variant in disease conclusively. Therefore, this variant is classified as a Variant of Uncertain Significance.

This study involves interpretation of variants in research participants for the purpose of population health screening. Participant phenotype was not available at the time of variant classification. Additional details can be found in publication PMID: 35346344, PMCID: PMC8962531

Genetic Services Laboratory, University of Chicago
Classification: Uncertain significance. Last evaluated: 2019-04-22. Review status: criteria provided, single submitter. Criteria: ACMG Guidelines, 2015. Collection method: clinical testing. Allele origin: germline. Affected: no.

Counsyl
Classification: Uncertain significance for Multiple endocrine neoplasia, type 1. Last evaluated: 2016-07-22. Review status: no assertion criteria provided. Collection method: clinical testing. Allele origin: unknown. Not counted in ClinVar's aggregate classification.

Dr. Peter K. Rogan Lab, Western University
No classification provided (evidence only). Condition: Colon adenocarcinoma. Review status: no classification provided. Collection method: in vitro. Allele origin: not applicable. Functional consequence: retained intron. Not counted in ClinVar's aggregate classification.

Dr. Peter K. Rogan Lab, Western University
No classification provided (evidence only). Condition: Uterine corpus endometrial carcinoma. Review status: no classification provided. Collection method: in vitro. Allele origin: not applicable. Functional consequence: retained intron. Not counted in ClinVar's aggregate classification.

Literature cited by the submitters: PubMed 26767918 (cited by Women's Health and Genetics/Laboratory Corporation of America, LabCorp); PubMed 29122330 (cited by Women's Health and Genetics/Laboratory Corporation of America, LabCorp); PubMed 30869828 (cited by 3 submitters); PubMed 32191290 (cited by Women's Health and Genetics/Laboratory Corporation of America, LabCorp and Mayo Clinic Laboratories, Mayo Clinic); PubMed 28298337 (cited by 3 submitters).